The following is an entry in ClinVar:

ClinVar aggregate classification (germline): Uncertain significance (1 of 4 stars; one submission).

gnomAD v4.1: 1 of 1,614,076 alleles (0.000062%); highest among the groups gnomAD compares: Admixed American, 0.0017%; no homozygotes.

Submission:

Labcorp Genetics (formerly Invitae), Labcorp
Classification: Uncertain significance. Last evaluated: 2025-06-16. Review status: criteria provided, single submitter. Criteria: Invitae Variant Classification Sherloc (09022015). Collection method: clinical testing. Allele origin: germline.
Comment: This sequence change replaces valine, which is neutral and non-polar, with leucine, which is neutral and non-polar, at codon 429 of the TGM6 protein (p.Val429Leu). This variant is not present in population databases (gnomAD no frequency). This variant has not been reported in the literature in individuals affected with TGM6-related conditions. Invitae Evidence Modeling of protein sequence and biophysical properties (such as structural, functional, and spatial information, amino acid conservation, physicochemical variation, residue mobility, and thermodynamic stability) indicates that this missense variant is not expected to disrupt TGM6 protein function with a negative predictive value of 80%. In summary, the available evidence is currently insufficient to determine the role of this variant in disease. Therefore, it has been classified as a Variant of Uncertain Significance.

NM_198994.3(TGM6):c.1285G>C (p.Val429Leu)

Gene: TGM6 (transglutaminase 6; plus strand). Cytogenetic location: 20p13.
Variant type: single nucleotide variant.
Coding change: c.1285G>C on transcript NM_198994.3 (MANE Select); coding-DNA position 1285, G replaced by C.
Protein change: p.Val429Leu; replaces valine 429 with leucine.
Molecular consequence: missense variant.
Genome position (GRCh38, 1-based): chr20:2,403,772, G>C. VCF-style: chr20-2403772-G-C. GRCh37 (hg19) VCF-style: chr20-2384418-G-C.
Other names: c.1285G>C, p.Val429Leu (NM_001254734.2); short protein forms V429L.
Identifiers: ClinVar variation 4764402 (VCV004764402.1).
Genomic context (GRCh38, chr20:2,403,772, plus strand): 5'-AGCCGGGAGCGTGTATACTCAAACACGAAGAAGATTGGGAGATGCATCAGCACCAAGGCG[G>C]TGGGCAGTGACTCCCGCGTGGACATCACTGACCTCTACAAGTATCCGGAAGGTAAGGGCC-3'
Protein context (NP_945345.2, residues 419-439): KIGRCISTKA[Val429Leu]GSDSRVDITD